The following is an entry in ClinVar:

NM_007373.4(SHOC2):c.256A>G (p.Ser86Gly)

Gene: SHOC2 (SHOC2 leucine rich repeat scaffold protein; plus strand). Cytogenetic location: 10q25.2.
Variant type: single nucleotide variant.
Coding change: c.256A>G on transcript NM_007373.4 (MANE Select); coding-DNA position 256, A replaced by G.
Protein change: p.Ser86Gly; replaces serine 86 with glycine.
Molecular consequence: missense variant.
Genome position (GRCh38, 1-based): chr10:110,964,614, A>G. VCF-style: chr10-110964614-A-G. GRCh37 (hg19) VCF-style: chr10-112724372-A-G.
Other names: c.256A>G, p.Ser86Gly (NM_001269039.3, NM_001324336.2, NM_001324337.2); short protein forms S86G.
Identifiers: ClinVar variation 2450870 (VCV002450870.3), dbSNP rs2493838852, ClinGen allele CA378383080.

ClinVar aggregate classification (germline): Uncertain significance. Review status: criteria provided, multiple submitters, no conflicts (2 of 4 stars). 2 submissions from 2 submitters: Uncertain significance (2). Last evaluated 2026-03-01.

Conditions:
Cardiovascular phenotype. Identifiers: MedGen CN230736.
SHOC2-related disorder. Also called: SHOC2-related condition.

Submissions (2):

PreventionGenetics, part of Exact Sciences
Classification: Uncertain significance for SHOC2-related condition. Last evaluated: 2026-03-01. Review status: criteria provided, single submitter. Criteria: ACMG Guidelines, 2015. Collection method: clinical testing. Allele origin: germline.
Comment: The SHOC2 c.256A>G variant is predicted to result in the amino acid substitution p.Ser86Gly. To our knowledge, this variant has not been reported in the literature or in a large population database (gnomAD), indicating this variant is rare. At this time, the clinical significance of this variant is uncertain due to the absence of conclusive functional and genetic evidence.

Ambry Genetics
Classification: Uncertain significance for Cardiovascular phenotype. Last evaluated: 2022-12-06. Review status: criteria provided, single submitter. Criteria: Ambry Variant Classification Scheme 2023. Collection method: clinical testing. Allele origin: germline.
Comment: The p.S86G variant (also known as c.256A>G), located in coding exon 1 of the SHOC2 gene, results from an A to G substitution at nucleotide position 256. The serine at codon 86 is replaced by glycine, an amino acid with similar properties. This amino acid position is conserved. In addition, this alteration is predicted to be deleterious by in silico analysis. Since supporting evidence is limited at this time, the clinical significance of this alteration remains unclear.